The following is an entry in ClinVar:

NM_018896.5(CACNA1G):c.1047+8A>G

Gene: CACNA1G (calcium voltage-gated channel subunit alpha1 G; plus strand). Cytogenetic location: 17q21.33.
Variant type: single nucleotide variant.
Coding change: c.1047+8A>G on transcript NM_018896.5 (MANE Select); 8 bases into the intron after coding-DNA position 1047, A replaced by G.
Molecular consequence: intron variant.
Genome position (GRCh38, 1-based): chr17:50,572,862, A>G. VCF-style: chr17-50572862-A-G. GRCh37 (hg19) VCF-style: chr17-48650223-A-G.
Other names: c.1047+8A>G (NM_001256325.2, NM_198377.3, NM_198380.3 and 24 more transcripts).
Identifiers: ClinVar variation 2960769 (VCV002960769.11), dbSNP rs1350492440, ClinGen allele CA626691154.

ClinVar aggregate classification (germline): Likely benign. Review status: criteria provided, multiple submitters, no conflicts (2 of 4 stars). 2 submissions from 2 submitters: Likely benign (2). Last evaluated 2025-08-01.

Allele frequency attached by ClinVar (database versions not stated): gnomAD exomes below 0.00001.
gnomAD v4.1: 1 of 1,610,012 alleles (0.000062%); highest among the groups gnomAD compares: Admixed American, 0.0017%; no homozygotes.

Submissions (2):

CeGaT Center for Human Genetics Tuebingen
Classification: Likely benign. Last evaluated: 2025-08-01. Review status: criteria provided, single submitter. Criteria: CeGaT Center For Human Genetics Tuebingen Variant Classification Criteria Version 2. Collection method: clinical testing. Allele origin: germline. Affected: yes. Observed: 1 variant allele.
Comment: CACNA1G: BP4

Labcorp Genetics (formerly Invitae), Labcorp
Classification: Likely benign. Last evaluated: 2023-03-21. Review status: criteria provided, single submitter. Criteria: Invitae Variant Classification Sherloc (09022015). Collection method: clinical testing. Allele origin: germline.